The following is an entry in ClinVar:

NM_000051.4(ATM):c.8787-6C>T

Genes: ATM (ATM serine/threonine kinase; plus strand), C11orf65 (chromosome 11 open reading frame 65; minus strand). Cytogenetic location: 11q22.3.
Variant type: single nucleotide variant.
Coding change: c.8787-6C>T on transcript NM_000051.4 (MANE Select); 6 bases into the intron before coding-DNA position 8787, C replaced by T.
Molecular consequence: intron variant.
Genome position (GRCh38, 1-based): chr11:108,354,805, C>T. VCF-style: chr11-108354805-C-T. GRCh37 (hg19) VCF-style: chr11-108225532-C-T.
Other names: c.640+31115G>A (NM_001330368.2); c.695-19513G>A (NM_001351110.2); c.8787-6C>T (NM_001351834.2).
Identifiers: ClinVar variation 723779 (VCV000723779.15), dbSNP rs1591313765, ClinGen allele CA915948336.
Genomic context (GRCh38, chr11:108,354,805, plus strand): 5'-AGATAAAGATACGTTGACAACATTGGTGTGTAACAAAATCCGTATTTATAATGTGTTTGA[C>T]TCTAGATGCTGTGAGAAAACCATGGAAGTGATGAGAAACTCTCAGGAAACTCTGTTAACC-3'

ClinVar aggregate classification (germline): Conflicting classifications of pathogenicity. Review status: criteria provided, conflicting classifications (1 of 4 stars). 7 submissions from 7 submitters: Uncertain significance (2); Likely benign (4). 1 of the submissions does not count toward it. Last evaluated 2025-12-29.

Conditions:
Familial cancer of breast. Also called: Hereditary breast cancer; BREAST CANCER, FAMILIAL; hereditary breast carcinoma. Identifiers: Orphanet 227535, MedGen C0346153, MONDO:0016419, OMIM 114480. Disease mechanism: loss of function.
Hereditary breast ovarian cancer syndrome. Also called: Hereditary breast and ovarian cancer; Hereditary breast and/or ovarian cancer syndrome; Hereditary breast and ovarian cancer syndrome; BRCA1- and BRCA2-Associated Hereditary Breast and Ovarian Cancer; Hereditary breast and ovarian cancer syndrome (HBOC); Breast and ovarian cancer. Identifiers: Orphanet 145, MedGen C0677776, MeSH D061325, MONDO:0003582. Disease mechanism: loss of function.
Hereditary cancer-predisposing syndrome. Also called: Tumor predisposition; Hereditary neoplastic syndrome; Neoplastic Syndromes, Hereditary; Hereditary Cancer Syndrome. Identifiers: Orphanet 140162, MedGen C0027672, MeSH D009386, MONDO:0015356.
Ataxia-telangiectasia syndrome (AT). Also called: Ataxia-telangiectasia, complementation group D; AT, COMPLEMENTATION GROUP C; ATAXIA-TELANGIECTASIA, COMPLEMENTATION GROUP A; ATAXIA-TELANGIECTASIA, FRESNO VARIANT; Ataxia-telangiectasia; LOUIS-BAR SYNDROME. Identifiers: Orphanet 100, MedGen C0004135, MONDO:0008840, OMIM 208900.

Allele frequency attached by ClinVar (database versions not stated): gnomAD exomes below 0.00001.
gnomAD v4.1: 4 of 1,612,576 alleles (0.00025%); highest among the groups gnomAD compares: Non-Finnish European, 0.00017%; no homozygotes.

Submissions (7):

Center for Genomic Medicine, Rigshospitalet, Copenhagen University Hospital
Classification: Likely benign. Last evaluated: 2025-12-29. Review status: criteria provided, single submitter. Criteria: ACMG Guidelines, 2015. Collection method: clinical testing. Allele origin: germline.
Comment: Classification criteria: BP4

Labcorp Genetics (formerly Invitae), Labcorp
Classification: Likely benign for Ataxia-telangiectasia syndrome. Last evaluated: 2025-11-26. Review status: criteria provided, single submitter. Criteria: Invitae Variant Classification Sherloc (09022015). Collection method: clinical testing. Allele origin: germline.

Myriad Genetics, Inc.
Classification: Likely benign for Familial cancer of breast. Last evaluated: 2024-06-21. Review status: criteria provided, single submitter. Criteria: Myriad Autosomal Dominant, Autosomal Recessive and X-Linked Classification Criteria (2023). Collection method: clinical testing. Allele origin: unknown.
Comment: This variant is considered likely benign. This variant is intronic and is not expected to impact mRNA splicing.

National Health Laboratory Service, Universitas Academic Hospital and University of the Free State
Classification: Likely benign for Hereditary breast ovarian cancer syndrome. Last evaluated: 2022-04-19. Review status: criteria provided, single submitter. Criteria: ACMG Guidelines, 2015. Collection method: clinical testing. Allele origin: germline. Affected: yes. Observed: 2 variant alleles.

Sema4
Classification: Uncertain significance for Hereditary cancer-predisposing syndrome. Last evaluated: 2021-09-02. Review status: criteria provided, single submitter. Criteria: Sema4 Curation Guidelines. Collection method: curation. Allele origin: germline.
Comment: The ATM c.8787-6C>T variant has not been reported in the literature to our knowledge. It was not observed in the large and broad cohorts of the Genome Aggregation Database (PMID: 32461654). This variant has been reported in ClinVar (Variation ID 723779). In silico tools suggest that the variant does not impact splicing, though these predictions have not been confirmed by functional studies. The evidence is insufficient to meet ACMG/AMP criteria for classifying the variant as benign or pathogenic. Thus, the clinical significance of this variant is currently uncertain.

Blueprint Genetics
Classification: Uncertain significance. Last evaluated: 2019-04-18. Review status: criteria provided, single submitter. Criteria: ACMG Guidelines, 2015. Collection method: clinical testing. Allele origin: germline.

Natera, Inc.
Classification: Uncertain significance for Ataxia-telangiectasia. Last evaluated: 2020-03-17. Review status: no assertion criteria provided. Collection method: clinical testing. Allele origin: germline. Not counted in ClinVar's aggregate classification.